The following is an entry in ClinVar:

NM_024675.4(PALB2):c.507C>G (p.Leu169=)

Gene: PALB2 (partner and localizer of BRCA2; minus strand). Cytogenetic location: 16p12.2.
Variant type: single nucleotide variant.
Coding change: c.507C>G on transcript NM_024675.4 (MANE Select); coding-DNA position 507, C replaced by G.
Protein change: p.Leu169=; no amino-acid change (leucine 169 retained).
Molecular consequence: synonymous variant.
Genome position (GRCh38, 1-based): chr16:23,636,039, G>C on the plus strand (C>G on the coding strand, the complement: PALB2 is on the minus strand). VCF-style: chr16-23636039-G-C. GRCh37 (hg19) VCF-style: chr16-23647360-G-C.
Identifiers: ClinVar variation 763764 (VCV000763764.16), dbSNP rs1375166092, ClinGen allele CA494461893.

ClinVar aggregate classification (germline): Benign/Likely benign. Review status: criteria provided, multiple submitters, no conflicts (2 of 4 stars). 4 submissions from 4 submitters: Benign (1); Likely benign (3). Last evaluated 2025-07-30.

Conditions:
Familial cancer of breast. Also called: BREAST CANCER, FAMILIAL; hereditary breast carcinoma; Hereditary breast cancer. Identifiers: Orphanet 227535, MedGen C0346153, MONDO:0016419, OMIM 114480. Disease mechanism: loss of function.
Hereditary cancer-predisposing syndrome. Also called: Tumor predisposition; Neoplastic Syndromes, Hereditary; Hereditary Cancer Syndrome; Hereditary neoplastic syndrome. Identifiers: Orphanet 140162, MedGen C0027672, MeSH D009386, MONDO:0015356.

Allele frequency attached by ClinVar (database versions not stated): TOPMed below 0.00001; gnomAD 0.00001.
gnomAD v4.1: 4 of 1,613,952 alleles (0.00025%); highest among the groups gnomAD compares: Non-Finnish European, 0.00034%; no homozygotes.

Submissions (4):

Labcorp Genetics (formerly Invitae), Labcorp
Classification: Likely benign for Familial cancer of breast. Last evaluated: 2025-07-30. Review status: criteria provided, single submitter. Criteria: Invitae Variant Classification Sherloc (09022015). Collection method: clinical testing. Allele origin: germline.

Myriad Genetics, Inc.
Classification: Benign for Familial cancer of breast. Last evaluated: 2025-01-10. Review status: criteria provided, single submitter. Criteria: Myriad Autosomal Dominant, Autosomal Recessive and X-Linked Classification Criteria (2023). Collection method: clinical testing. Allele origin: unknown.
Comment: This variant is considered benign. This variant is a silent/synonymous amino acid change and it is not expected to impact splicing.

Color Diagnostics, LLC DBA Color Health
Classification: Likely benign for Hereditary cancer-predisposing syndrome. Last evaluated: 2019-04-03. Review status: criteria provided, single submitter. Criteria: ACMG Guidelines, 2015. Collection method: clinical testing. Allele origin: germline.

Ambry Genetics
Classification: Likely benign for Hereditary cancer-predisposing syndrome. Last evaluated: 2015-10-08. Review status: criteria provided, single submitter. Criteria: Ambry Variant Classification Scheme 2023. Collection method: clinical testing. Allele origin: germline.